The following is an entry in ClinVar:

NM_001379270.1(CNGA1):c.82C>T (p.Arg28Ter)

Genes: CNGA1 (cyclic nucleotide gated channel subunit alpha 1; minus strand), LOC101927157 (uncharacterized LOC101927157; plus strand). Cytogenetic location: 4p12.
Variant type: single nucleotide variant.
Coding change: c.82C>T on transcript NM_001379270.1 (MANE Select); coding-DNA position 82, C replaced by T.
Protein change: p.Arg28Ter; replaces arginine 28 with a stop codon.
Molecular consequence: nonsense.
Genome position (GRCh38, 1-based): chr4:47,952,608, G>A on the plus strand (C>T on the coding strand, the complement: CNGA1 is on the minus strand). VCF-style: chr4-47952608-G-A. GRCh37 (hg19) VCF-style: chr4-47954625-G-A.
Other names: c.82C>T, p.Arg28Ter (NM_000087.5, NM_001142564.2); c.94C>T (NM_000087.4); short protein forms R101*, R28*.
Identifiers: ClinVar variation 548707 (VCV000548707.39), dbSNP rs199636364, ClinGen allele CA2911393.

ClinVar aggregate classification (germline): Pathogenic. Review status: criteria provided, multiple submitters, no conflicts (2 of 4 stars). 13 submissions from 13 submitters: Pathogenic (9). 4 of the submissions do not count toward it. Last evaluated 2025-12-17.

Conditions:
CNGA1-related disorder. Also called: CNGA1-related condition.
Retinal dystrophy. Also called: Inherited retinal dystrophy. Identifiers: Orphanet 71862, MedGen C0854723, MeSH D058499, MONDO:0019118, HP:0000556.
Retinitis pigmentosa (RP). Identifiers: Orphanet 791, MedGen C0035334, MeSH D012174, MONDO:0019200, OMIM 268000. Inheritance: Autosomal dominant, autosomal recessive and X linked inheritance.
Retinitis pigmentosa 49 (RP49). Identifiers: Orphanet 791, MedGen C3151059, MONDO:0013405, OMIM 613756.

Allele frequency attached by ClinVar (database versions not stated): gnomAD 0.00006 and 0.00009; gnomAD exomes 0.00007; ExAC 0.00008; ESP Exome Variant Server 0.00008; TOPMed 0.00009; 1000 Genomes Project 30x 0.00031; 1000 Genomes Project 0.00040.
gnomAD v4.1: 113 of 1,611,590 alleles (0.007%); highest among the groups gnomAD compares: Admixed American, 0.0083%; no homozygotes.

Submissions (13):

Labcorp Genetics (formerly Invitae), Labcorp
Classification: Pathogenic. Last evaluated: 2025-12-17. Review status: criteria provided, single submitter. Criteria: Invitae Variant Classification Sherloc (09022015). Collection method: clinical testing. Allele origin: germline.
Comment: This sequence change creates a premature translational stop signal (p.Arg32*) in the CNGA1 gene. It is expected to result in an absent or disrupted protein product. Loss-of-function variants in CNGA1 are known to be pathogenic (PMID: 7479749, 25268133). The frequency data for this variant in the population databases is considered unreliable, as metrics indicate poor data quality at this position in the gnomAD database. This premature translational stop signal has been observed in individual(s) with retinitis pigmentosa (PMID: 12362048, 30337596). It has also been observed to segregate with disease in related individuals. This variant is also known as p.Arg28* or p.Arg101*. ClinVar contains an entry for this variant (Variation ID: 548707). For these reasons, this variant has been classified as Pathogenic.

PreventionGenetics, part of Exact Sciences
Classification: Pathogenic for CNGA1-related condition. Last evaluated: 2025-12-01. Review status: criteria provided, single submitter. Criteria: ACMG Guidelines, 2015. Collection method: clinical testing. Allele origin: germline.
Comment: The CNGA1 c.94C>T variant is predicted to result in premature protein termination (p.Arg32*). This variant, alternatively referred to as p.Arg28* or p.Arg101* using other transcripts, has been reported in the homozygous state or with another loss-of-function CNGA1 variant in multiple individuals from two families with autosomal recessive retinitis pigmentosa (Paloma et al. 2002. PubMed ID: 12362048; Figure S2, Ezquerra-Inchausti et al. 2018. PubMed ID: 30337596). This variant is reported in 0.011% of alleles in individuals of Latino descent in gnomAD. Nonsense variants in CNGA1 are expected to be pathogenic. This variant is interpreted as pathogenic.

Blueprint Genetics
Classification: Pathogenic for CNGA1-related disorders. Last evaluated: 2024-09-14. Review status: criteria provided, single submitter. Criteria: ACMG Guidelines, 2015. Collection method: clinical testing. Allele origin: germline. Affected: yes. Observed: 5 variant alleles.

CeGaT Center for Human Genetics Tuebingen
Classification: Pathogenic. Last evaluated: 2024-07-01. Review status: criteria provided, single submitter. Criteria: CeGaT Center For Human Genetics Tuebingen Variant Classification Criteria Version 2. Collection method: clinical testing. Allele origin: germline. Affected: yes. Observed: 1 variant allele.
Comment: CNGA1: PVS1, PM3:Strong, PM2

Fulgent Genetics
Classification: Pathogenic for Retinitis pigmentosa 49. Last evaluated: 2024-01-20. Review status: criteria provided, single submitter. Criteria: ACMG Guidelines, 2015. Collection method: clinical testing. Allele origin: germline.

3billion
Classification: Pathogenic for Retinitis pigmentosa 49. Last evaluated: 2022-01-03. Review status: criteria provided, single submitter. Criteria: ACMG Guidelines, 2015. Collection method: clinical testing. Allele origin: germline. Affected: yes. Observed: 1 homozygote.
Comment: Stop-gained (nonsense): predicted to result in a loss or disruption of normal protein function through nonsense-mediated decay (NMD) or protein truncation. Multiple pathogenic variants are reported downstream of the variant (PVS1_VS). The variant has been reported at least twice as pathogenic/likely pathogenic with clinical assertions and evidence for the classification (ClinVar ID: VCV000548707, PMID:12362048). It is observed at an extremely low frequency in the gnomAD v2.1.1 dataset (total allele frequency: 0.000068, PM2_M). Therefore, this variant is classified as pathogenic according to the recommendation of ACMG/AMP guideline.

Institute of Medical Genetics and Applied Genomics, University Hospital Tübingen
Classification: Pathogenic. Last evaluated: 2020-10-23. Review status: criteria provided, single submitter. Criteria: ACMG Guidelines, 2015. Collection method: clinical testing. Allele origin: germline. Inheritance: Autosomal recessive inheritance. Affected: yes.

Servicio Extremeño de Salud, Hospital de Mérida
Classification: Pathogenic for Retinitis pigmentosa 49. Last evaluated: 2018-05-28. Review status: criteria provided, single submitter. Criteria: ACMG Guidelines, 2015. Collection method: clinical testing. Allele origin: germline. Inheritance: Autosomal recessive inheritance. Affected: yes. Observed: 1 variant allele, 1 homozygote.

Juno Genomics, Hangzhou Juno Genomics, Inc
Classification: Pathogenic for Retinitis pigmentosa 49. Review status: criteria provided, single submitter. Criteria: ACMG Guidelines, 2015. Collection method: clinical testing. Allele origin: germline.
Comment: Absent from controls (or at extremely low frequency if recessive) in Genome Aggregation Database.;Null variant in a gene where loss of function (LOF) is a known mechanism of disease.;For recessive disorders, detected in trans with a pathogenic variant.;Co-segregation with disease in multiple affected family members.

Sharon lab, Hadassah-Hebrew University Medical Center
Classification: Pathogenic for Retinitis pigmentosa. Last evaluated: 2019-06-23. Review status: no assertion criteria provided. Collection method: research. Allele origin: inherited. Affected: yes. Not counted in ClinVar's aggregate classification.

Institute of Human Genetics, Univ. Regensburg, Univ. Regensburg
Classification: Pathogenic for Retinal dystrophy. Last evaluated: 2019-01-01. Review status: no assertion criteria provided. Criteria: ACMG Guidelines, 2015. Collection method: clinical testing. Allele origin: germline. Affected: yes. Not counted in ClinVar's aggregate classification.

Clinical Genetics, Academic Medical Center
Classification: Likely pathogenic. Review status: no assertion criteria provided. Collection method: clinical testing. Allele origin: germline. Affected: yes. Study: VKGL Data-share Consensus. Not counted in ClinVar's aggregate classification.

Laboratory of Diagnostic Genome Analysis, Leiden University Medical Center (LUMC)
Classification: Pathogenic. Review status: no assertion criteria provided. Collection method: clinical testing. Allele origin: germline. Affected: yes. Study: VKGL Data-share Consensus. Not counted in ClinVar's aggregate classification.

Literature cited by the submitters: PubMed 7479749 (cited by Labcorp Genetics (formerly Invitae), Labcorp); PubMed 25268133 (cited by Labcorp Genetics (formerly Invitae), Labcorp); PubMed 12362048 (cited by Labcorp Genetics (formerly Invitae), Labcorp and 3billion); PubMed 30337596 (cited by Labcorp Genetics (formerly Invitae), Labcorp).